The following is an entry in ClinVar:

ClinVar aggregate classification (germline): Benign. Review status: criteria provided, multiple submitters, no conflicts (2 of 4 stars). 3 submissions from 3 submitters: Benign (3). Last evaluated 2025-07-01.

Allele frequency attached by ClinVar (database versions not stated): 1000 Genomes Project 30x 0.00484; 1000 Genomes Project 0.00499; gnomAD exomes 0.00757 and 0.01165; ExAC 0.00763; gnomAD 0.00788 and 0.00821; TOPMed 0.00839; ESP Exome Variant Server 0.01115.
gnomAD v4.1: 18,077 of 1,614,112 alleles (1.1%); highest among the groups gnomAD compares: Non-Finnish European, 1.4%; 127 homozygotes.

Submissions (3):

CeGaT Center for Human Genetics Tuebingen
Classification: Benign. Last evaluated: 2025-07-01. Review status: criteria provided, single submitter. Criteria: CeGaT Center For Human Genetics Tuebingen Variant Classification Criteria Version 2. Collection method: clinical testing. Allele origin: germline. Affected: yes. Observed: 4 variant alleles.
Comment: MCM8: BS1, BS2

Labcorp Genetics (formerly Invitae), Labcorp
Classification: Benign. Last evaluated: 2019-12-31. Review status: criteria provided, single submitter. Criteria: Invitae Variant Classification Sherloc (09022015). Collection method: clinical testing. Allele origin: germline.

Breakthrough Genomics
Classification: Benign. Review status: criteria provided, single submitter. Criteria: ACMG Guidelines, 2015. Collection method: not provided. Allele origin: germline. Inheritance: Autosomal recessive inheritance. Affected: yes.

NM_032485.6(MCM8):c.2149A>G (p.Ile717Val)

Gene: MCM8 (minichromosome maintenance 8 homologous recombination repair factor; plus strand). Cytogenetic location: 20p12.3.
Variant type: single nucleotide variant.
Coding change: c.2149A>G on transcript NM_032485.6 (MANE Select); coding-DNA position 2149, A replaced by G.
Protein change: p.Ile717Val; replaces isoleucine 717 with valine.
Molecular consequence: missense variant.
Genome position (GRCh38, 1-based): chr20:5,986,117, A>G. VCF-style: chr20-5986117-A-G. GRCh37 (hg19) VCF-style: chr20-5966763-A-G.
Other names: c.2149A>G, p.Ile717Val (NM_001281520.2); c.2269A>G, p.Ile757Val (NM_001281521.2); c.2008A>G, p.Ile670Val (NM_001281522.2); c.2101A>G, p.Ile701Val (NM_182802.3); short protein forms I757V, I670V, I701V, I717V.
Identifiers: ClinVar variation 788338 (VCV000788338.28), dbSNP rs61754763, ClinGen allele CA9757014.
Genomic context (GRCh38, chr20:5,986,117, plus strand): 5'-CGGAAACAGAGCCAGAGGTTAAATAGCTCACCAATCACTACCAGGCAGCTGGAATCTTTG[A>G]TTCGTCTGACAGAGGTTTGTTTCTTTTTATGGTCATGCTTTTTTTGGCTTAAAGGGGAAG-3'
Protein context (NP_115874.3, residues 707-727): PITTRQLESL[Ile717Val]RLTEARARLE